The following is an entry in ClinVar:

NM_000751.3(CHRND):c.1203C>G (p.Phe401Leu)

Gene: CHRND (cholinergic receptor nicotinic delta subunit; plus strand). Cytogenetic location: 2q37.1.
Variant type: single nucleotide variant.
Coding change: c.1203C>G on transcript NM_000751.3 (MANE Select); coding-DNA position 1203, C replaced by G.
Protein change: p.Phe401Leu; replaces phenylalanine 401 with leucine.
Molecular consequence: missense variant.
Genome position (GRCh38, 1-based): chr2:232,534,086, C>G. VCF-style: chr2-232534086-C-G. GRCh37 (hg19) VCF-style: chr2-233398796-C-G.
Other names: c.1203C>G (NM_000751.2); c.1158C>G, p.Phe386Leu (NM_001256657.2); c.621C>G, p.Phe207Leu (NM_001311195.2); c.900C>G, p.Phe300Leu (NM_001311196.2); short protein forms F300L, F401L, F207L, F386L.
Identifiers: ClinVar variation 2181412 (VCV002181412.7), dbSNP rs138405676, ClinGen allele CA2168287.

ClinVar aggregate classification (germline): Uncertain significance. Review status: criteria provided, multiple submitters, no conflicts (2 of 4 stars). 2 submissions from 2 submitters: Uncertain significance (2). Last evaluated 2022-03-12.

Conditions:
Lethal multiple pterygium syndrome (LMPS). Identifiers: Orphanet 33108, MedGen C1854678, MONDO:0009668, OMIM 253290.

Allele frequency attached by ClinVar (database versions not stated): ESP Exome Variant Server 0.00008.
gnomAD v4.1: 2 of 1,613,980 alleles (0.00012%); highest among the groups gnomAD compares: African/African-American, 0.0027%; no homozygotes.

Submissions (2):

Labcorp Genetics (formerly Invitae), Labcorp
Classification: Uncertain significance for Lethal multiple pterygium syndrome. Last evaluated: 2022-03-12. Review status: criteria provided, single submitter. Criteria: Invitae Variant Classification Sherloc (09022015). Collection method: clinical testing. Allele origin: germline.
Comment: In summary, the available evidence is currently insufficient to determine the role of this variant in disease. Therefore, it has been classified as a Variant of Uncertain Significance. Advanced modeling of protein sequence and biophysical properties (such as structural, functional, and spatial information, amino acid conservation, physicochemical variation, residue mobility, and thermodynamic stability) performed at Invitae indicates that this missense variant is not expected to disrupt CHRND protein function. This variant has not been reported in the literature in individuals affected with CHRND-related conditions. This variant is present in population databases (rs138405676, gnomAD 0.007%). This sequence change replaces phenylalanine, which is neutral and non-polar, with leucine, which is neutral and non-polar, at codon 401 of the CHRND protein (p.Phe401Leu).

Revvity Omics, Revvity
Classification: Uncertain significance. Last evaluated: 2019-09-16. Review status: criteria provided, single submitter. Criteria: ACMG Guidelines, 2015. Collection method: clinical testing. Allele origin: germline.